The following is an entry in ClinVar:

ClinVar aggregate classification (germline): Pathogenic. Review status: criteria provided, multiple submitters, no conflicts (2 of 4 stars). 3 submissions from 3 submitters: Pathogenic (3). Last evaluated 2025-08-09.

Conditions:
Hereditary nonpolyposis colorectal neoplasms. Identifiers: MedGen C0009405, MeSH D003123.
Hereditary cancer-predisposing syndrome. Also called: Neoplastic Syndromes, Hereditary; Tumor predisposition; Hereditary Cancer Syndrome; Hereditary neoplastic syndrome. Identifiers: Orphanet 140162, MedGen C0027672, MeSH D009386, MONDO:0015356.
Lynch syndrome 5 (LYNCH5). Also called: Hereditary non-polyposis colorectal cancer, type 5; Colorectal cancer, hereditary nonpolyposis, type 5. Identifiers: Orphanet 144, MedGen C1833477, MONDO:0013710, OMIM 614350. Disease mechanism: loss of function.

Submissions (3):

Labcorp Genetics (formerly Invitae), Labcorp
Classification: Pathogenic for Hereditary nonpolyposis colorectal neoplasms. Last evaluated: 2025-08-09. Review status: criteria provided, single submitter. Criteria: Invitae Variant Classification Sherloc (09022015). Collection method: clinical testing. Allele origin: germline.
Comment: This sequence change creates a premature translational stop signal (p.Phe1088Serfs*2) in the MSH6 gene. It is expected to result in an absent or disrupted protein product. Loss-of-function variants in MSH6 are known to be pathogenic (PMID: 18269114, 24362816). This variant is not present in population databases (gnomAD no frequency). This premature translational stop signal has been observed in individual(s) with colon cancer (PMID: 15872200). ClinVar contains an entry for this variant (Variation ID: 1729560). For these reasons, this variant has been classified as Pathogenic.

Myriad Genetics, Inc.
Classification: Pathogenic for Lynch syndrome 5. Last evaluated: 2023-08-22. Review status: criteria provided, single submitter. Criteria: Myriad Autosomal Dominant, Autosomal Recessive and X-Linked Classification Criteria (2023). Collection method: clinical testing. Allele origin: unknown.
Comment: This variant is considered pathogenic. This variant creates a frameshift predicted to result in premature protein truncation.

Ambry Genetics
Classification: Pathogenic for Hereditary cancer-predisposing syndrome. Last evaluated: 2021-04-06. Review status: criteria provided, single submitter. Criteria: Ambry Variant Classification Scheme 2023. Collection method: clinical testing. Allele origin: germline.
Comment: The c.3263delT pathogenic mutation, located in coding exon 5 of the MSH6 gene, results from a deletion of one nucleotide at nucleotide position 3263, causing a translational frameshift with a predicted alternate stop codon (p.F1088Sfs*2). This alteration is expected to result in loss of function by premature protein truncation or nonsense-mediated mRNA decay. As such, this alteration is interpreted as a disease-causing mutation.

Literature cited by the submitters: PubMed 18269114 (cited by Labcorp Genetics (formerly Invitae), Labcorp); PubMed 24362816 (cited by Labcorp Genetics (formerly Invitae), Labcorp); PubMed 15872200 (cited by Labcorp Genetics (formerly Invitae), Labcorp).

NM_000179.3(MSH6):c.3263del (p.Phe1088fs)

Gene: MSH6 (mutS homolog 6; plus strand). Cytogenetic location: 2p16.3.
Variant type: Deletion.
Coding change: c.3263del on transcript NM_000179.3 (MANE Select); coding-DNA position 3263, one base deleted (T; older notation c.3263delT).
Protein change: p.Phe1088fs; shifts the reading frame from phenylalanine 1088.
Molecular consequence: frameshift variant.
Genome position (GRCh38, 1-based): chr2:47,803,510, T deleted; the last of 2 consecutive T bases (chr2:47,803,509-47,803,510); deleting either gives the same sequence. VCF-style (leftmost placement, unchanged base first): chr2-47803508-CT-C. GRCh37 (hg19) VCF-style: chr2-48030647-CT-C.
Other names: c.2873del, p.Phe958fs (NM_001281492.2); c.2357del, p.Phe786fs (NM_001281493.2, NM_001281494.2); c.3359delT, p.Phe1120Serfs (NM_001406795.1, NM_001406802.1); c.3263delT, p.Phe1088Serfs (NM_001406796.1, NM_001406800.1, NM_001406808.1 and 1 more transcripts); c.2966delT, p.Phe989Serfs (NM_001406797.1, NM_001406801.1, NM_001406805.1 and 10 more transcripts); c.2738delT, p.Phe913Serfs (NM_001406799.1, NM_001406806.1, NM_001406807.1); c.2399delT, p.Phe800Serfs (NM_001406803.1); c.3185delT, p.Phe1062Serfs (NM_001406804.1); and 7 more; short protein forms F786fs, F1088fs, F958fs.
Identifiers: ClinVar variation 1729560 (VCV001729560.6), dbSNP rs267608091, ClinGen allele CA2580067018.
Genomic context (GRCh38, chr2:47,803,508, plus strand): 5'-TCGAGGGGGTGATGGTCCTATGTGTCGCCCAGTAATTCTGTTGCCGGAAGATACCCCCCC[CT>C]TCTTAGAGCTTAAAGGATCACGCCATCCTTGCATTACGAAGACTTTTTTTGGAGATGATT-3'